The following is an entry in ClinVar:

ClinVar aggregate classification (germline): Uncertain significance. Review status: criteria provided, multiple submitters, no conflicts (2 of 4 stars). 2 submissions from 2 submitters: Uncertain significance (2). Last evaluated 2022-10-25.

Conditions:
Perlman syndrome (PRLMNS). Identifiers: Orphanet 2849, MedGen C0796113, MONDO:0009965, OMIM 267000.

gnomAD v4.1: 1 of 1,614,014 alleles (0.000062%); highest among the groups gnomAD compares: Non-Finnish European, 0.000085%; no homozygotes.

Submissions (2):

Revvity Omics, Revvity
Classification: Uncertain significance for Perlman syndrome. Last evaluated: 2022-10-25. Review status: criteria provided, single submitter. Criteria: ACMG Guidelines, 2015. Collection method: clinical testing. Allele origin: germline.

Labcorp Genetics (formerly Invitae), Labcorp
Classification: Uncertain significance for Perlman syndrome. Last evaluated: 2022-07-12. Review status: criteria provided, single submitter. Criteria: Invitae Variant Classification Sherloc (09022015). Collection method: clinical testing. Allele origin: germline.
Comment: In summary, the available evidence is currently insufficient to determine the role of this variant in disease. Therefore, it has been classified as a Variant of Uncertain Significance. This sequence change replaces proline, which is neutral and non-polar, with arginine, which is basic and polar, at codon 162 of the DIS3L2 protein (p.Pro162Arg). This variant is not present in population databases (gnomAD no frequency). This variant has not been reported in the literature in individuals affected with DIS3L2-related conditions. ClinVar contains an entry for this variant (Variation ID: 1051394). Algorithms developed to predict the effect of missense changes on protein structure and function are either unavailable or do not agree on the potential impact of this missense change (SIFT: "Tolerated"; PolyPhen-2: "Possibly Damaging"; Align-GVGD: "Class C0").

NM_152383.5(DIS3L2):c.485C>G (p.Pro162Arg)

Gene: DIS3L2 (DIS3 like 3'-5' exoribonuclease 2; plus strand). Cytogenetic location: 2q37.1.
Variant type: single nucleotide variant.
Coding change: c.485C>G on transcript NM_152383.5 (MANE Select); coding-DNA position 485, C replaced by G.
Protein change: p.Pro162Arg; replaces proline 162 with arginine.
Molecular consequence: missense variant. On other transcripts: non-coding transcript variant (2).
Genome position (GRCh38, 1-based): chr2:232,087,605, C>G. VCF-style: chr2-232087605-C-G. GRCh37 (hg19) VCF-style: chr2-232952315-C-G.
Other names: c.485C>G, p.Pro162Arg (NM_001257281.2, NM_001257282.2); c.485C>G (NM_152383.4); short protein forms P162R.
Identifiers: ClinVar variation 1051394 (VCV001051394.9), dbSNP rs773744387, ClinGen allele CA351155082.